The following is an entry in ClinVar:

ClinVar aggregate classification (germline): Pathogenic. Review status: criteria provided, multiple submitters, no conflicts (2 of 4 stars). 8 submissions from 8 submitters: Pathogenic (7). 1 of the submissions does not count toward it. Last evaluated 2025-10-29.

Conditions:
Susceptibility to mononeuropathy of the median nerve, mild. Also called: CARPAL TUNNEL SYNDROME, SUSCEPTIBILITY TO. Identifiers: MedGen C3150596, MONDO:0013237, OMIM 613353.
Charcot-Marie-Tooth disease type 4C (CMT4C). Also called: CMT 4C; CHARCOT-MARIE-TOOTH DISEASE, DEMYELINATING, TYPE 4C; CHARCOT-MARIE-TOOTH DISEASE, DEMYELINATING, AUTOSOMAL RECESSIVE, TYPE 4C; SH3TC2-Related Hereditary Motor and Sensory Neuropathy; Charcot-Marie-Tooth Neuropathy Type 4C (CMT4C). Identifiers: Orphanet 99949, MedGen C1866636, MONDO:0011113, OMIM 601596.
Charcot-Marie-Tooth disease type 4. Also called: Charcot-Marie-Tooth disease, type IV; Charcot-Marie-Tooth, Type 4. Identifiers: Orphanet 64749, MedGen C4082197, MONDO:0018995.

Allele frequency attached by ClinVar (database versions not stated): gnomAD exomes 0.00002 and 0.00004; TOPMed 0.00002; gnomAD 0.00003; ExAC 0.00006; ESP Exome Variant Server 0.00015.
gnomAD v4.1: 36 of 1,613,982 alleles (0.0022%); highest among the groups gnomAD compares: South Asian, 0.012%; no homozygotes.

Submissions (8):

Labcorp Genetics (formerly Invitae), Labcorp
Classification: Pathogenic for Charcot-Marie-Tooth disease type 4. Last evaluated: 2025-10-29. Review status: criteria provided, single submitter. Criteria: Invitae Variant Classification Sherloc (09022015). Collection method: clinical testing. Allele origin: germline.
Comment: This sequence change creates a premature translational stop signal (p.Arg904*) in the SH3TC2 gene. It is expected to result in an absent or disrupted protein product. Loss-of-function variants in SH3TC2 are known to be pathogenic (PMID: 20220177, 27068304). This variant is present in population databases (rs80338931, gnomAD 0.02%). This premature translational stop signal has been observed in individual(s) with Charcot-Marie-Tooth disease (PMID: 16924012, 25737037, 26392352, 29321516). In at least one individual the data is consistent with being in trans (on the opposite chromosome) from a pathogenic variant. It has also been observed to segregate with disease in related individuals. ClinVar contains an entry for this variant (Variation ID: 21696). Algorithms developed to predict the effect of sequence changes on RNA splicing suggest that this variant may disrupt the consensus splice site. For these reasons, this variant has been classified as Pathogenic.

Dasa
Classification: Pathogenic. Last evaluated: 2025-09-04. Review status: criteria provided, single submitter. Criteria: DASA Assertion Criteria. Collection method: clinical testing. Allele origin: germline.
Comment: NM_024577.4(SH3TC2):c.2710C>T (p.Arg904*) introduces a premature termination codon predicted to result in loss of normal protein function. Loss-of-function is an established mechanism of disease for this gene. This variant has been observed in affected individuals with related phenotype in a genotype context consistent with recessive disease (PMID: 16924012). This variant has been reported in individuals with related phenotype (PMID: 16924012). The variant is present at low frequency in population datasets. Based on the available data, this variant is classified as pathogenic.

3billion
Classification: Pathogenic for Charcot-Marie-Tooth disease type 4C. Last evaluated: 2024-09-05. Review status: criteria provided, single submitter. Criteria: ACMG Guidelines, 2015. Collection method: clinical testing. Allele origin: germline. Affected: yes.
Comment: The variant is observed at an extremely low frequency in the gnomAD v4.0.0 dataset (total allele frequency: 0.002%). Predicted Consequence/Location: Stop-gained (nonsense): predicted to result in a loss or disruption of normal protein function through nonsense-mediated decay (NMD) or protein truncation. Multiple pathogenic variants are reported downstream of the variant. The variant has been reported at least twice as pathogenic without evidence for the classification (ClinVar ID: VCV000021696 /PMID: 16924012 /3billion dataset). Therefore, this variant is classified as Pathogenic according to the recommendation of ACMG/AMP guideline.

Fulgent Genetics
Classification: Pathogenic for Charcot-Marie-Tooth disease type 4C; Susceptibility to mononeuropathy of the median nerve, mild. Last evaluated: 2024-06-25. Review status: criteria provided, single submitter. Criteria: ACMG Guidelines, 2015. Collection method: clinical testing. Allele origin: germline.

Mayo Clinic Laboratories, Mayo Clinic
Classification: Pathogenic. Last evaluated: 2024-06-13. Review status: criteria provided, single submitter. Criteria: ACMG Guidelines, 2015. Collection method: clinical testing. Allele origin: germline. Observed: 1 variant allele.
Comment: PP1_strong, PM3_strong, PVS1

Neuberg Centre For Genomic Medicine, NCGM
Classification: Pathogenic for Charcot-Marie-Tooth disease type 4C. Last evaluated: 2023-05-20. Review status: criteria provided, single submitter. Criteria: ACMG Guidelines, 2015. Collection method: clinical testing. Allele origin: germline. Inheritance: Autosomal recessive inheritance. Affected: yes.
Comment: The stop gained variant c.2710C>T (p.Arg904Ter) in the SH3TC2 gene has been reported in the compound heterozygous and homozygous state in individuals affected with Charcot-Marie-Tooth Disease Type 4C (Varley et al., 2015; Grewal et al., 2018). This variant is reported with the allele frequency (0.004%) in the gnomAD Exomes. It has been submitted to ClinVar as Pathogenic. This variant is predicted to cause a loss of normal protein function through protein truncation. Loss of function variants has been previously reported to be disease-causing. For these reasons, this variant has been classified as Pathogenic.

CeGaT Center for Human Genetics Tuebingen
Classification: Pathogenic. Last evaluated: 2022-08-01. Review status: criteria provided, single submitter. Criteria: CeGaT Center For Human Genetics Tuebingen Variant Classification Criteria Version 2. Collection method: clinical testing. Allele origin: germline. Affected: yes. Observed: 1 variant allele.
Comment: SH3TC2: PVS1, PM2

GeneReviews
No classification provided. Condition: Charcot-Marie-Tooth disease type 4C. Review status: no classification provided. Collection method: literature only. Allele origin: unknown. Not counted in ClinVar's aggregate classification.

Literature cited by the submitters: PubMed 20220177 (cited by Labcorp Genetics (formerly Invitae), Labcorp); PubMed 27068304 (cited by Labcorp Genetics (formerly Invitae), Labcorp); PubMed 16924012 (cited by 4 submitters); PubMed 25737037 (cited by Labcorp Genetics (formerly Invitae), Labcorp and Mayo Clinic Laboratories, Mayo Clinic); PubMed 26392352 (cited by Labcorp Genetics (formerly Invitae), Labcorp); PubMed 29321516 (cited by Labcorp Genetics (formerly Invitae), Labcorp and Mayo Clinic Laboratories, Mayo Clinic); PubMed 33643188 (cited by Mayo Clinic Laboratories, Mayo Clinic); PubMed 34255403 (cited by Mayo Clinic Laboratories, Mayo Clinic); PubMed 36947133 (cited by Mayo Clinic Laboratories, Mayo Clinic); PubMed 14574644 (cited by GeneReviews); PubMed 20301514 (cited by GeneReviews); NCBI Bookshelf NBK1340 (cited by GeneReviews).

NM_024577.4(SH3TC2):c.2710C>T (p.Arg904Ter)

Gene: SH3TC2 (SH3 domain and tetratricopeptide repeats 2; minus strand). Cytogenetic location: 5q32.
Variant type: single nucleotide variant.
Coding change: c.2710C>T on transcript NM_024577.4 (MANE Select); coding-DNA position 2710, C replaced by T.
Protein change: p.Arg904Ter; replaces arginine 904 with a stop codon.
Molecular consequence: nonsense.
Genome position (GRCh38, 1-based): chr5:149,027,022, G>A on the plus strand (C>T on the coding strand, the complement: SH3TC2 is on the minus strand). VCF-style: chr5-149027022-G-A. GRCh37 (hg19) VCF-style: chr5-148406585-G-A.
Other names: p.Arg904*; short protein forms R904*.
Identifiers: ClinVar variation 21696 (VCV000021696.47), dbSNP rs80338931, ClinGen allele CA339763.